The following is an entry in ClinVar:

NM_001006658.3(CR2):c.151T>G (p.Cys51Gly)

Gene: CR2 (complement C3d receptor 2; plus strand). Cytogenetic location: 1q32.2.
Variant type: single nucleotide variant.
Coding change: c.151T>G on transcript NM_001006658.3 (MANE Select); coding-DNA position 151, T replaced by G.
Protein change: p.Cys51Gly; replaces cysteine 51 with glycine.
Molecular consequence: missense variant.
Genome position (GRCh38, 1-based): chr1:207,466,618, T>G. VCF-style: chr1-207466618-T-G. GRCh37 (hg19) VCF-style: chr1-207639963-T-G.
Other names: c.151T>G, p.Cys51Gly (NM_001877.5); short protein forms C51G.
Identifiers: ClinVar variation 834450 (VCV000834450.9), dbSNP rs1248514226, ClinGen allele CA344522671.

ClinVar aggregate classification (germline): Uncertain significance (1 of 4 stars; one submission).

Conditions:
Immunodeficiency, common variable, 7. Identifiers: Orphanet 1572, Orphanet 696894, MedGen C3542922, MONDO:0013862, OMIM 614699.

Allele frequency attached by ClinVar (database versions not stated): gnomAD exomes below 0.00001; TOPMed 0.00001.
gnomAD v4.1: 1 of 1,614,104 alleles (0.000062%); highest among the groups gnomAD compares: Non-Finnish European, 0.000085%; no homozygotes.

Submission:

Labcorp Genetics (formerly Invitae), Labcorp
Classification: Uncertain significance for Immunodeficiency, common variable, 7. Last evaluated: 2019-04-05. Review status: criteria provided, single submitter. Criteria: Invitae Variant Classification Sherloc (09022015). Collection method: clinical testing. Allele origin: germline.
Comment: In summary, the available evidence is currently insufficient to determine the role of this variant in disease. Therefore, it has been classified as a Variant of Uncertain Significance. Algorithms developed to predict the effect of missense changes on protein structure and function (SIFT, PolyPhen-2, Align-GVGD) all suggest that this variant is likely to be disruptive, but these predictions have not been confirmed by published functional studies and their clinical significance is uncertain. This variant has not been reported in the literature in individuals with CR2-related conditions. This variant is not present in population databases (ExAC no frequency). This sequence change replaces cysteine with glycine at codon 51 of the CR2 protein (p.Cys51Gly). The cysteine residue is highly conserved and there is a large physicochemical difference between cysteine and glycine.